The following is an entry in ClinVar:

NM_000466.3(PEX1):c.3439-2A>G

Genes: GATAD1 (GATA zinc finger domain containing 1; plus strand), PEX1 (peroxisomal biogenesis factor 1; minus strand). Cytogenetic location: 7q21.2.
Variant type: single nucleotide variant.
Coding change: c.3439-2A>G on transcript NM_000466.3 (MANE Select); the canonical splice acceptor site of the intron before coding-DNA position 3439, A replaced by G.
Molecular consequence: splice acceptor variant.
Genome position (GRCh38, 1-based): chr7:92,489,913, T>C on the plus strand (A>G on the coding strand, the complement: PEX1 is on the minus strand). VCF-style: chr7-92489913-T-C. GRCh37 (hg19) VCF-style: chr7-92119227-T-C.
Other names: c.3268-2A>G (NM_001282677.2); c.2815-2A>G (NM_001282678.2).
Identifiers: ClinVar variation 2696422 (VCV002696422.3), dbSNP rs2484613798, ClinGen allele CA368162390.
Genomic context (GRCh38, chr7:92,489,913, plus strand): 5'-CCAGGAACTCCAGGCAAATCCTGAGTCATGGAGCTTGGTGCAGAGAGACATTGTGAGCTC[T>C]GCATGGTAAATTGTAGTAATGAAAGATGGAAGGAAGAGGGGGAGAGAAAAAACTATGTGT-3'

ClinVar aggregate classification (germline): Likely pathogenic (1 of 4 stars; one submission).

Conditions:
Zellweger spectrum disorders (ZS). Also called: Zellweger syndrome; Zellweger Spectrum Disorder (ZSD); Zellweger Spectrum Disorder; Zellweger Spectrum. Identifiers: Orphanet 912, MedGen C0043459, MONDO:0019609.

Submission:

Labcorp Genetics (formerly Invitae), Labcorp
Classification: Likely pathogenic for Zellweger spectrum disorders. Last evaluated: 2023-11-17. Review status: criteria provided, single submitter. Criteria: Invitae Variant Classification Sherloc (09022015). Collection method: clinical testing. Allele origin: germline.
Comment: This sequence change affects an acceptor splice site in intron 21 of the PEX1 gene. It is expected to disrupt RNA splicing. Variants that disrupt the donor or acceptor splice site typically lead to a loss of protein function (PMID: 16199547), and loss-of-function variants in PEX1 are known to be pathogenic (PMID: 21031596, 26387595, 31831025). This variant is not present in population databases (gnomAD no frequency). This variant has not been reported in the literature in individuals affected with PEX1-related conditions. Algorithms developed to predict the effect of sequence changes on RNA splicing suggest that this variant may disrupt the consensus splice site. In summary, the currently available evidence indicates that the variant is pathogenic, but additional data are needed to prove that conclusively. Therefore, this variant has been classified as Likely Pathogenic.

Literature cited by the submitters: PubMed 16199547; PubMed 21031596; PubMed 26387595; PubMed 31831025.